The following is an entry in ClinVar:

ClinVar aggregate classification (germline): Uncertain significance (1 of 4 stars; one submission).

Conditions:
Hereditary cancer-predisposing syndrome. Also called: Hereditary Cancer Syndrome; Hereditary neoplastic syndrome; Neoplastic Syndromes, Hereditary; Tumor predisposition. Identifiers: Orphanet 140162, MedGen C0027672, MeSH D009386, MONDO:0015356.

Submission:

Ambry Genetics
Classification: Uncertain significance for Hereditary cancer-predisposing syndrome. Last evaluated: 2022-09-24. Review status: criteria provided, single submitter. Criteria: Ambry Variant Classification Scheme 2023. Collection method: clinical testing. Allele origin: germline.
Comment: The p.T461R variant (also known as c.1382C>G), located in coding exon 9 of the KIT gene, results from a C to G substitution at nucleotide position 1382. The threonine at codon 461 is replaced by arginine, an amino acid with similar properties. This amino acid position is conserved. In addition, this alteration is predicted to be tolerated by in silico analysis. Since supporting evidence is limited at this time, the clinical significance of this alteration remains unclear.

NM_000222.3(KIT):c.1382C>G (p.Thr461Arg)

Gene: KIT (KIT proto-oncogene, receptor tyrosine kinase; plus strand). Cytogenetic location: 4q12.
Variant type: single nucleotide variant.
Coding change: c.1382C>G on transcript NM_000222.3 (MANE Select); coding-DNA position 1382, C replaced by G.
Protein change: p.Thr461Arg; replaces threonine 461 with arginine.
Molecular consequence: missense variant.
Genome position (GRCh38, 1-based): chr4:54,725,892, C>G. VCF-style: chr4-54725892-C-G. GRCh37 (hg19) VCF-style: chr4-55592058-C-G.
Other names: c.1382C>G, p.Thr461Arg (NM_001093772.2, NM_001385285.1, NM_001385286.1); c.1385C>G, p.Thr462Arg (NM_001385284.1, NM_001385288.1, NM_001385290.1 and 1 more transcripts); short protein forms T462R, T461R.
Identifiers: ClinVar variation 1771316 (VCV001771316.2), dbSNP rs2109768355, ClinGen allele CA356906282.
Genomic context (GRCh38, chr4:54,725,892, plus strand): 5'-AGGGCTTTTGTTTTCTTCCCTTTAGATGCTCTGCTTCTGTACTGCCAGTGGATGTGCAGA[C>G]ACTAAACTCATCTGGGCCACCGTTTGGAAAGCTAGTGGTTCAGAGTTCTATAGATTCTAG-3'
Protein context (NP_000213.1, residues 451-471): SASVLPVDVQ[Thr461Arg]LNSSGPPFGK